The following is an entry in ClinVar:

NM_002361.4(MAG):c.1759C>T (p.Arg587Trp)

Gene: MAG (myelin associated glycoprotein; plus strand). Cytogenetic location: 19q13.12.
Variant type: single nucleotide variant.
Coding change: c.1759C>T on transcript NM_002361.4 (MANE Select); coding-DNA position 1759, C replaced by T.
Protein change: p.Arg587Trp; replaces arginine 587 with tryptophan.
Molecular consequence: missense variant. On other transcripts: 3 prime UTR variant (1).
Genome position (GRCh38, 1-based): chr19:35,313,332, C>T. VCF-style: chr19-35313332-C-T. GRCh37 (hg19) VCF-style: chr19-35804235-C-T.
Other names: c.1684C>T, p.Arg562Trp (NM_001199216.2); c.*55C>T (NM_080600.3); c.1759C>T (NM_002361.3); short protein forms R587W, R562W.
Identifiers: ClinVar variation 2167202 (VCV002167202.6), dbSNP rs1032956121, ClinGen allele CA307714346.

ClinVar aggregate classification (germline): Uncertain significance. Review status: criteria provided, multiple submitters, no conflicts (2 of 4 stars). 2 submissions from 2 submitters: Uncertain significance (2). Last evaluated 2023-03-06.

Conditions:
Hereditary spastic paraplegia 75. Also called: Spastic paraplegia 75, autosomal recessive. Identifiers: Orphanet 459056, MedGen C4225250, MONDO:0014729, OMIM 616680.
Inborn genetic diseases. Identifiers: MedGen C0950123, MeSH D030342.

Allele frequency attached by ClinVar (database versions not stated): gnomAD exomes 0.00001; gnomAD 0.00002; TOPMed 0.00002.
gnomAD v4.1: 7 of 1,614,002 alleles (0.00043%); highest among the groups gnomAD compares: South Asian, 0.0044%; no homozygotes.

Submissions (2):

Ambry Genetics
Classification: Uncertain significance for Inborn genetic diseases. Last evaluated: 2023-03-06. Review status: criteria provided, single submitter. Criteria: Ambry Variant Classification Scheme 2023. Collection method: clinical testing. Allele origin: germline.

Labcorp Genetics (formerly Invitae), Labcorp
Classification: Uncertain significance for Hereditary spastic paraplegia 75. Last evaluated: 2022-01-26. Review status: criteria provided, single submitter. Criteria: Invitae Variant Classification Sherloc (09022015). Collection method: clinical testing. Allele origin: germline.
Comment: Algorithms developed to predict the effect of missense changes on protein structure and function are either unavailable or do not agree on the potential impact of this missense change (SIFT: "Deleterious"; PolyPhen-2: "Benign"; Align-GVGD: "Class C0"). This variant has not been reported in the literature in individuals affected with MAG-related conditions. The frequency data for this variant in the population databases is considered unreliable, as metrics indicate poor data quality at this position in the gnomAD database. This sequence change replaces arginine, which is basic and polar, with tryptophan, which is neutral and slightly polar, at codon 587 of the MAG protein (p.Arg587Trp). In summary, the available evidence is currently insufficient to determine the role of this variant in disease. Therefore, it has been classified as a Variant of Uncertain Significance.